The following is an entry in ClinVar:

NM_022168.4(IFIH1):c.103C>G (p.Leu35Val)

Gene: IFIH1 (interferon induced with helicase C domain 1; minus strand). Cytogenetic location: 2q24.2.
Variant type: single nucleotide variant.
Coding change: c.103C>G on transcript NM_022168.4 (MANE Select); coding-DNA position 103, C replaced by G.
Protein change: p.Leu35Val; replaces leucine 35 with valine.
Molecular consequence: missense variant.
Genome position (GRCh38, 1-based): chr2:162,318,205, G>C on the plus strand (C>G on the coding strand, the complement: IFIH1 is on the minus strand). VCF-style: chr2-162318205-G-C. GRCh37 (hg19) VCF-style: chr2-163174715-G-C.
Other names: c.103C>G (NM_022168.2); short protein forms L35V.
Identifiers: ClinVar variation 2038147 (VCV002038147.7), dbSNP rs75342243, ClinGen allele CA349014425.

ClinVar aggregate classification (germline): Uncertain significance. Review status: criteria provided, multiple submitters, no conflicts (2 of 4 stars). 4 submissions from 4 submitters: Uncertain significance (4). Last evaluated 2025-08-27.

Conditions:
Singleton-Merten syndrome 1 (SGMRT1). Also called: Widened medullary cavities of bone, aortic calcification, abnormal dentition, and muscular weakness; Syndrome of widened medullary cavities of the metacarpals and phalanges, aortic calcification and abnormal dentition. Identifiers: Orphanet 85191, MedGen C4225427, MONDO:0024535, OMIM 182250.
Aicardi-Goutieres syndrome 7 (AGS7). Identifiers: Orphanet 51, MedGen C3888244, MONDO:0014367, OMIM 615846.
Immunodeficiency 95 (IMD95). Identifiers: MedGen C5676929, MONDO:0030692, OMIM 619773.
Inborn genetic diseases. Identifiers: MedGen C0950123, MeSH D030342.

gnomAD v4.1: 13 of 1,614,186 alleles (0.00081%); highest among the groups gnomAD compares: Non-Finnish European, 0.0011%; no homozygotes.

Submissions (4):

Ambry Genetics
Classification: Uncertain significance for Inborn genetic diseases. Last evaluated: 2025-08-27. Review status: criteria provided, single submitter. Criteria: Ambry Variant Classification Scheme 2023. Collection method: clinical testing. Allele origin: germline.

Labcorp Genetics (formerly Invitae), Labcorp
Classification: Uncertain significance for Aicardi-Goutieres syndrome 7; Singleton-Merten syndrome 1. Last evaluated: 2025-05-18. Review status: criteria provided, single submitter. Criteria: Invitae Variant Classification Sherloc (09022015). Collection method: clinical testing. Allele origin: germline.
Comment: This sequence change replaces leucine, which is neutral and non-polar, with valine, which is neutral and non-polar, at codon 35 of the IFIH1 protein (p.Leu35Val). This variant is not present in population databases (gnomAD no frequency). This variant has not been reported in the literature in individuals affected with IFIH1-related conditions. ClinVar contains an entry for this variant (Variation ID: 2038147). Invitae Evidence Modeling of protein sequence and biophysical properties (such as structural, functional, and spatial information, amino acid conservation, physicochemical variation, residue mobility, and thermodynamic stability) has been performed for this missense variant. However, the output from this modeling did not meet the statistical confidence thresholds required to predict the impact of this variant on IFIH1 protein function. In summary, the available evidence is currently insufficient to determine the role of this variant in disease. Therefore, it has been classified as a Variant of Uncertain Significance.

Women's Health and Genetics/Laboratory Corporation of America, LabCorp
Classification: Uncertain significance. Last evaluated: 2024-05-02. Review status: criteria provided, single submitter. Criteria: LabCorp Variant Classification Summary - May 2015. Collection method: clinical testing. Allele origin: germline.
Comment: Variant summary: IFIH1 c.103C>G (p.Leu35Val) results in a conservative amino acid change located in the Caspase recruitment domain (IPR031964) of the encoded protein sequence. Three of five in-silico tools predict a damaging effect of the variant on protein function. The variant was absent in 251436 control chromosomes. The available data on variant occurrences in the general population are insufficient to allow any conclusion about variant significance. To our knowledge, no occurrence of c.103C>G in individuals affected with Aicardi-Goutieres Syndrome 7 and no experimental evidence demonstrating its impact on protein function have been reported. ClinVar contains an entry for this variant (Variation ID: 2038147). Based on the evidence outlined above, the variant was classified as uncertain significance.

Fulgent Genetics
Classification: Uncertain significance for Singleton-Merten syndrome 1; Aicardi-Goutieres syndrome 7; Immunodeficiency 95. Last evaluated: 2024-01-17. Review status: criteria provided, single submitter. Criteria: ACMG Guidelines, 2015. Collection method: clinical testing. Allele origin: germline.